The following is an entry in ClinVar:

ClinVar aggregate classification (germline): Likely pathogenic. Review status: criteria provided, multiple submitters, no conflicts (2 of 4 stars). 3 submissions from 3 submitters: Likely pathogenic (2). 1 of the submissions does not count toward it. Last evaluated 2025-07-30.

Conditions:
ESRRB-related disorder. Also called: ESRRB-related condition.

Allele frequency attached by ClinVar (database versions not stated): gnomAD exomes 0.00001.
gnomAD v4.1: 4 of 1,607,140 alleles (0.00025%); highest among the groups gnomAD compares: Admixed American, 0.0051%; no homozygotes.

Submissions (3):

GeneDx
Classification: Likely pathogenic. Last evaluated: 2025-07-30. Review status: criteria provided, single submitter. Criteria: GeneDx Variant Classification Process June 2021. Collection method: clinical testing. Allele origin: germline.
Comment: Not observed at significant frequency in large population cohorts (gnomAD); Has not been previously published as pathogenic or benign to our knowledge; Canonical splice site variant predicted to result in an in-frame loss of the adjacent exon in a gene for which loss of function is a known mechanism of disease

Labcorp Genetics (formerly Invitae), Labcorp
Classification: Likely pathogenic. Last evaluated: 2024-11-12. Review status: criteria provided, single submitter. Criteria: Invitae Variant Classification Sherloc (09022015). Collection method: clinical testing. Allele origin: germline.
Comment: This sequence change affects an acceptor splice site in intron 7 of the ESRRB gene. It is expected to disrupt RNA splicing. Variants that disrupt the donor or acceptor splice site typically lead to a loss of protein function (PMID: 16199547), and loss-of-function variants in ESRRB are known to be pathogenic (PMID: 18179891). This variant is present in population databases (no rsID available, gnomAD 0.006%). This variant has not been reported in the literature in individuals affected with ESRRB-related conditions. ClinVar contains an entry for this variant (Variation ID: 3045120). Algorithms developed to predict the effect of sequence changes on RNA splicing suggest that this variant may disrupt the consensus splice site. In summary, the currently available evidence indicates that the variant is pathogenic, but additional data are needed to prove that conclusively. Therefore, this variant has been classified as Likely Pathogenic.

PreventionGenetics, part of Exact Sciences
Classification: Likely pathogenic for ESRRB-related condition. Last evaluated: 2024-01-26. Review status: no assertion criteria provided. Collection method: clinical testing. Allele origin: germline. Not counted in ClinVar's aggregate classification.
Comment: The ESRRB c.788-2A>T variant is predicted to disrupt the AG splice acceptor site and interfere with normal splicing. To our knowledge, this variant has not been reported in the literature. This variant is reported in 0.0060% of alleles in individuals of Latino descent in gnomAD. Variants that disrupt the consensus splice acceptor site in ESRRB are expected to be pathogenic. This variant is interpreted as likely pathogenic.

Literature cited by the submitters: PubMed 16199547 (cited by Labcorp Genetics (formerly Invitae), Labcorp); PubMed 18179891 (cited by Labcorp Genetics (formerly Invitae), Labcorp).

NM_001379180.1(ESRRB):c.851-2A>T

Gene: ESRRB (estrogen related receptor beta; plus strand). Cytogenetic location: 14q24.3.
Variant type: single nucleotide variant.
Coding change: c.851-2A>T on transcript NM_001379180.1 (MANE Select); the canonical splice acceptor site of the intron before coding-DNA position 851, A replaced by T.
Molecular consequence: splice acceptor variant.
Genome position (GRCh38, 1-based): chr14:76,491,445, A>T. VCF-style: chr14-76491445-A-T. GRCh37 (hg19) VCF-style: chr14-76957788-A-T.
Other names: c.803-2A>T (NM_001411038.1); c.788-2A>T (NM_004452.4).
Identifiers: ClinVar variation 3045120 (VCV003045120.6), dbSNP rs1261105707, ClinGen allele CA390478774.